The following is an entry in ClinVar:

ClinVar aggregate classification (germline): Benign/Likely benign. Review status: criteria provided, multiple submitters, no conflicts (2 of 4 stars). 2 submissions from 2 submitters: Benign (1); Likely benign (1). Last evaluated 2025-07-02.

Conditions:
Pheochromocytoma/paraganglioma syndrome 5. Also called: Paragangliomas 5; SDHA-Related Hereditary Paraganglioma-Pheochromocytoma Syndrome. Identifiers: Orphanet 29072, MedGen C3279992, MONDO:0013602, OMIM 614165.
Mitochondrial complex II deficiency, nuclear type 1. Also called: SUCCINATE CoQ REDUCTASE DEFICIENCY. Identifiers: Orphanet 3208, MedGen C5700310, MONDO:0100294, OMIM 252011.

Submissions (2):

Labcorp Genetics (formerly Invitae), Labcorp
Classification: Likely benign for Pheochromocytoma/paraganglioma syndrome 5; Mitochondrial complex II deficiency, nuclear type 1. Last evaluated: 2025-07-02. Review status: criteria provided, single submitter. Criteria: Invitae Variant Classification Sherloc (09022015). Collection method: clinical testing. Allele origin: germline.

Myriad Genetics, Inc.
Classification: Benign for Pheochromocytoma/paraganglioma syndrome 5. Last evaluated: 2025-02-27. Review status: criteria provided, single submitter. Criteria: Myriad Autosomal Dominant, Autosomal Recessive and X-Linked Classification Criteria (2023). Collection method: clinical testing. Allele origin: unknown.
Comment: This variant is considered benign. This variant is a silent/synonymous amino acid change and it is not expected to impact splicing.

NM_004168.4(SDHA):c.12C>A (p.Val4=)

Gene: SDHA (succinate dehydrogenase complex flavoprotein subunit A; plus strand). Cytogenetic location: 5p15.33.
Variant type: single nucleotide variant.
Coding change: c.12C>A on transcript NM_004168.4 (MANE Select); coding-DNA position 12, C replaced by A.
Protein change: p.Val4=; no amino-acid change (valine 4 retained).
Molecular consequence: synonymous variant.
Genome position (GRCh38, 1-based): chr5:218,367, C>A. VCF-style: chr5-218367-C-A. GRCh37 (hg19) VCF-style: chr5-218482-C-A.
Other names: c.12C>A, p.Val4= (NM_001294332.2, NM_001330758.2).
Identifiers: ClinVar variation 3904505 (VCV003904505.2).